The following is an entry in ClinVar:

ClinVar aggregate classification (germline): Uncertain significance (1 of 4 stars; one submission).

Conditions:
Inborn genetic diseases. Identifiers: MedGen C0950123, MeSH D030342.

Submission:

Ambry Genetics
Classification: Uncertain significance for Inborn genetic diseases. Last evaluated: 2025-07-25. Review status: criteria provided, single submitter. Criteria: Ambry Variant Classification Scheme 2023. Collection method: clinical testing. Allele origin: germline.
Comment: The p.E1451G variant (also known as c.4352A>G), located in coding exon 43 of the FANCA gene, results from an A to G substitution at nucleotide position 4352. The glutamic acid at codon 1451 is replaced by glycine, an amino acid with similar properties. This amino acid position is conserved. In addition, the in silico prediction for this alteration is inconclusive. Based on the available evidence, the clinical significance of this variant remains unclear.

NM_000135.4(FANCA):c.4352A>G (p.Glu1451Gly)

Genes: ZNF276 (zinc finger protein 276; plus strand), FANCA (FA complementation group A; minus strand). Cytogenetic location: 16q24.3.
Variant type: single nucleotide variant.
Coding change: c.4352A>G on transcript NM_000135.4 (MANE Select); coding-DNA position 4352, A replaced by G.
Protein change: p.Glu1451Gly; replaces glutamic acid 1451 with glycine.
Molecular consequence: missense variant. On other transcripts: 3 prime UTR variant (3), non-coding transcript variant (4).
Genome position (GRCh38, 1-based): chr16:89,738,617, T>C on the plus strand (A>G on the coding strand, the complement: FANCA is on the minus strand). VCF-style: chr16-89738617-T-C. GRCh37 (hg19) VCF-style: chr16-89805025-T-C.
Other names: c.*81A>G (NM_001286167.3); c.*371T>C (NM_001113525.2, NM_152287.4); short protein forms E1451G.
Identifiers: ClinVar variation 4254225 (VCV004254225.1).